The following is an entry in ClinVar:

ClinVar aggregate classification (germline): Uncertain significance (1 of 4 stars; one submission).

Conditions:
Long QT syndrome (LQTS). Identifiers: MedGen C0023976, MeSH D008133, MONDO:0002442. Disease mechanism: loss of function. Inheritance: Various modes of inheritance.

Submission:

Labcorp Genetics (formerly Invitae), Labcorp
Classification: Uncertain significance for Long QT syndrome. Last evaluated: 2024-04-03. Review status: criteria provided, single submitter. Criteria: Invitae Variant Classification Sherloc (09022015). Collection method: clinical testing. Allele origin: germline.
Comment: This sequence change replaces glutamine, which is neutral and polar, with arginine, which is basic and polar, at codon 1064 of the CACNA1C protein (p.Gln1064Arg). This variant is not present in population databases (gnomAD no frequency). This variant has not been reported in the literature in individuals affected with CACNA1C-related conditions. Advanced modeling of protein sequence and biophysical properties (such as structural, functional, and spatial information, amino acid conservation, physicochemical variation, residue mobility, and thermodynamic stability) performed at Invitae indicates that this missense variant is not expected to disrupt CACNA1C protein function with a negative predictive value of 95%. In summary, the available evidence is currently insufficient to determine the role of this variant in disease. Therefore, it has been classified as a Variant of Uncertain Significance.

NM_000719.7(CACNA1C):c.3191A>G (p.Gln1064Arg)

Gene: CACNA1C (calcium voltage-gated channel subunit alpha1 C; plus strand). Cytogenetic location: 12p13.33.
Variant type: single nucleotide variant.
Coding change: c.3191A>G on transcript NM_000719.7 (MANE Select); coding-DNA position 3191, A replaced by G.
Protein change: p.Gln1064Arg; replaces glutamine 1064 with arginine.
Molecular consequence: missense variant.
Genome position (GRCh38, 1-based): chr12:2,606,645, A>G. VCF-style: chr12-2606645-A-G. GRCh37 (hg19) VCF-style: chr12-2715811-A-G.
Other names: c.3251A>G, p.Gln1084Arg (NM_001129827.2, NM_001129832.2, NM_199460.4); c.3191A>G, p.Gln1064Arg (NM_001129829.2, NM_001129830.3, NM_001129831.2 and 15 more transcripts); c.3182A>G, p.Gln1061Arg (NM_001129844.2); short protein forms Q1064R, Q1061R, Q1084R.
Identifiers: ClinVar variation 3648614 (VCV003648614.2).